The following is an entry in ClinVar:

NM_001942.4(DSG1):c.1852C>A (p.Pro618Thr)

Genes: DSG1 (desmoglein 1; plus strand), DSG1-AS1 (DSG1 antisense RNA 1; minus strand). Cytogenetic location: 18q12.1.
Variant type: single nucleotide variant.
Coding change: c.1852C>A on transcript NM_001942.4 (MANE Select); coding-DNA position 1852, C replaced by A.
Protein change: p.Pro618Thr; replaces proline 618 with threonine.
Molecular consequence: missense variant.
Genome position (GRCh38, 1-based): chr18:31,343,956, C>A. VCF-style: chr18-31343956-C-A. GRCh37 (hg19) VCF-style: chr18-28923919-C-A.
Other names: c.1852C>A (NM_001942.2); short protein forms P618T.
Identifiers: ClinVar variation 1433660 (VCV001433660.8), dbSNP rs768020915, ClinGen allele CA8926201.

ClinVar aggregate classification (germline): Uncertain significance. Review status: criteria provided, multiple submitters, no conflicts (2 of 4 stars). 2 submissions from 2 submitters: Uncertain significance (2). Last evaluated 2025-07-06.

Conditions:
Inborn genetic diseases. Identifiers: MedGen C0950123, MeSH D030342.

Allele frequency attached by ClinVar (database versions not stated): TOPMed below 0.00001; gnomAD 0.00001; ExAC 0.00006; gnomAD exomes 0.00006.
gnomAD v4.1: 43 of 1,613,078 alleles (0.0027%); highest among the groups gnomAD compares: Admixed American, 0.005%; no homozygotes.

Submissions (2):

Labcorp Genetics (formerly Invitae), Labcorp
Classification: Uncertain significance. Last evaluated: 2025-07-06. Review status: criteria provided, single submitter. Criteria: Invitae Variant Classification Sherloc (09022015). Collection method: clinical testing. Allele origin: germline.
Comment: This sequence change replaces proline, which is neutral and non-polar, with threonine, which is neutral and polar, at codon 618 of the DSG1 protein (p.Pro618Thr). This variant is present in population databases (rs768020915, gnomAD 0.1%). This variant has not been reported in the literature in individuals affected with DSG1-related conditions. ClinVar contains an entry for this variant (Variation ID: 1433660). An algorithm developed to predict the effect of missense changes on protein structure and function (PolyPhen-2) suggests that this variant is likely to be tolerated. In summary, the available evidence is currently insufficient to determine the role of this variant in disease. Therefore, it has been classified as a Variant of Uncertain Significance.

Ambry Genetics
Classification: Uncertain significance for Inborn genetic diseases. Last evaluated: 2025-01-09. Review status: criteria provided, single submitter. Criteria: Ambry Variant Classification Scheme 2023. Collection method: clinical testing. Allele origin: germline.